The following is an entry in ClinVar:

NM_018341.3(ERMARD):c.259A>G (p.Lys87Glu)

Gene: ERMARD (ER membrane associated RNA degradation; plus strand). Cytogenetic location: 6q27.
Variant type: single nucleotide variant.
Coding change: c.259A>G on transcript NM_018341.3 (MANE Select); coding-DNA position 259, A replaced by G.
Protein change: p.Lys87Glu; replaces lysine 87 with glutamic acid.
Molecular consequence: missense variant. On other transcripts: 5 prime UTR variant (1).
Genome position (GRCh38, 1-based): chr6:169,755,366, A>G. VCF-style: chr6-169755366-A-G. GRCh37 (hg19) VCF-style: chr6-170155462-A-G.
Other names: c.259A>G, p.Lys87Glu (NM_001278531.2, NM_001278533.2); c.-120A>G (NM_001278532.2); short protein forms K87E.
Identifiers: ClinVar variation 1494686 (VCV001494686.9), dbSNP rs979875961, ClinGen allele CA152191798.

ClinVar aggregate classification (germline): Conflicting classifications of pathogenicity. Review status: criteria provided, conflicting classifications (1 of 4 stars). 2 submissions from 2 submitters: Uncertain significance (1); Likely benign (1). Last evaluated 2022-11-04.

Allele frequency attached by ClinVar (database versions not stated): gnomAD exomes below 0.00001 and 0.00001; gnomAD 0.00001; TOPMed 0.00001.
gnomAD v4.1: 13 of 1,614,074 alleles (0.00081%); highest among the groups gnomAD compares: Middle Eastern, 0.033%; no homozygotes.

Submissions (2):

Blueprint Genetics
Classification: Likely benign. Last evaluated: 2022-11-04. Review status: criteria provided, single submitter. Criteria: ACMG Guidelines, 2015. Collection method: clinical testing. Allele origin: germline.

Labcorp Genetics (formerly Invitae), Labcorp
Classification: Uncertain significance. Last evaluated: 2021-06-12. Review status: criteria provided, single submitter. Criteria: Invitae Variant Classification Sherloc (09022015). Collection method: clinical testing. Allele origin: germline.
Comment: This sequence change replaces lysine with glutamic acid at codon 87 of the ERMARD protein (p.Lys87Glu). The lysine residue is weakly conserved and there is a small physicochemical difference between lysine and glutamic acid. This variant is not present in population databases (ExAC no frequency). This variant has not been reported in the literature in individuals with ERMARD-related conditions. Algorithms developed to predict the effect of missense changes on protein structure and function (SIFT, PolyPhen-2, Align-GVGD) all suggest that this variant is likely to be tolerated, but these predictions have not been confirmed by published functional studies and their clinical significance is uncertain. In summary, the available evidence is currently insufficient to determine the role of this variant in disease. Therefore, it has been classified as a Variant of Uncertain Significance.